The following is an entry in ClinVar:

NM_002878.4(RAD51D):c.112G>A (p.Glu38Lys)

Genes: RAD51D (RAD51 paralog D; minus strand), RAD51L3-RFFL (RAD51L3-RFFL readthrough; minus strand). Cytogenetic location: 17q12.
Variant type: single nucleotide variant.
Coding change: c.112G>A on transcript NM_002878.4 (MANE Select); coding-DNA position 112, G replaced by A.
Protein change: p.Glu38Lys; replaces glutamic acid 38 with lysine.
Molecular consequence: missense variant. On other transcripts: non-coding transcript variant (2).
Genome position (GRCh38, 1-based): chr17:35,119,143, C>T on the plus strand (G>A on the coding strand, the complement: RAD51D is on the minus strand). VCF-style: chr17-35119143-C-T. GRCh37 (hg19) VCF-style: chr17-33446162-C-T.
Other names: c.112G>A, p.Glu38Lys (NM_001142571.2, NM_133629.3); short protein forms E38K.
Identifiers: ClinVar variation 2678186 (VCV002678186.2), dbSNP rs2142477536, ClinGen allele CA399091901.
Genomic context (GRCh38, chr17:35,119,143, plus strand): 5'-GTTTGGAATGTGGAGATCAGGAGCTCACCTTGTAAGACAAGCCACATTTCTGAGCTACCT[C>T]TTCCAGGTCTGCAGAAACCAGGTCCACCACTGAAAACAAAACACGTATAGCGGATTGGCA-3'
Protein context (NP_002869.3, residues 28-48): VVDLVSADLE[Glu38Lys]VAQKCGLSYK

ClinVar aggregate classification (germline): Uncertain significance. Review status: criteria provided, multiple submitters, no conflicts (2 of 4 stars). 2 submissions from 2 submitters: Uncertain significance (2). Last evaluated 2026-05-26.

Conditions:
Breast-ovarian cancer, familial, susceptibility to, 4. Identifiers: Orphanet 145, MedGen C3280345, MONDO:0013669, OMIM 614291.
Hereditary cancer-predisposing syndrome. Also called: Tumor predisposition; Hereditary neoplastic syndrome; Neoplastic Syndromes, Hereditary; Hereditary Cancer Syndrome. Identifiers: Orphanet 140162, MedGen C0027672, MeSH D009386, MONDO:0015356.

Allele frequency attached by ClinVar (database versions not stated): gnomAD exomes below 0.00001.

Submissions (2):

Ambry Genetics
Classification: Uncertain significance for Hereditary cancer-predisposing syndrome. Last evaluated: 2026-05-26. Review status: criteria provided, single submitter. Criteria: Ambry Variant Classification Scheme 2023. Collection method: clinical testing. Allele origin: germline.
Comment: The p.E38K variant (also known as c.112G>A), located in coding exon 2 of the RAD51D gene, results from a G to A substitution at nucleotide position 112. The glutamic acid at codon 38 is replaced by lysine, an amino acid with similar properties. This amino acid position is well conserved in available vertebrate species. In addition, the in silico prediction for this alteration is inconclusive. Based on the available evidence, the clinical significance of this variant remains unclear.

Baylor Genetics
Classification: Uncertain significance for Breast-ovarian cancer, familial, susceptibility to, 4. Last evaluated: 2023-07-12. Review status: criteria provided, single submitter. Criteria: ACMG Guidelines, 2015. Collection method: clinical testing. Allele origin: unknown.